The following is an entry in ClinVar:

ClinVar aggregate classification (germline): Uncertain significance (1 of 4 stars; one submission).

Conditions:
Nephronophthisis. Also called: Juvenile Nephronophthisis. Identifiers: Orphanet 655, MedGen C0687120, MONDO:0019005, HP:0000090.
Meckel-Gruber syndrome. Also called: DYSENCEPHALIA SPLANCHNOCYSTICA; GRUBER SYNDROME; Dysencephalia splachnocystica. Identifiers: Orphanet 564, MedGen C0265215, MONDO:0018921.
Joubert syndrome. Also called: CEREBELLOPARENCHYMAL DISORDER IV; JOUBERT-BOLTSHAUSER SYNDROME; Familial aplasia of the vermis. Identifiers: Orphanet 475, MedGen C5979921, MONDO:0018772.

Submission:

Labcorp Genetics (formerly Invitae), Labcorp
Classification: Uncertain significance for Joubert syndrome; Meckel-Gruber syndrome; Nephronophthisis. Last evaluated: 2021-08-31. Review status: criteria provided, single submitter. Criteria: Invitae Variant Classification Sherloc (09022015). Collection method: clinical testing. Allele origin: germline.
Comment: This sequence change replaces serine with asparagine at codon 820 of the CEP290 protein (p.Ser820Asn). The serine residue is moderately conserved and there is a small physicochemical difference between serine and asparagine. This variant is not present in population databases (ExAC no frequency). This variant has not been reported in the literature in individuals affected with CEP290-related conditions. Algorithms developed to predict the effect of missense changes on protein structure and function are either unavailable or do not agree on the potential impact of this missense change (SIFT: "Tolerated"; PolyPhen-2: "Possibly Damaging"; Align-GVGD: "Class C0"). In summary, the available evidence is currently insufficient to determine the role of this variant in disease. Therefore, it has been classified as a Variant of Uncertain Significance.

NM_025114.4(CEP290):c.2459G>A (p.Ser820Asn)

Gene: CEP290 (centrosomal protein 290; minus strand). Cytogenetic location: 12q21.32.
Variant type: single nucleotide variant.
Coding change: c.2459G>A on transcript NM_025114.4 (MANE Select); coding-DNA position 2459, G replaced by A.
Protein change: p.Ser820Asn; replaces serine 820 with asparagine.
Molecular consequence: missense variant.
Genome position (GRCh38, 1-based): chr12:88,109,090, C>T on the plus strand (G>A on the coding strand, the complement: CEP290 is on the minus strand). VCF-style: chr12-88109090-C-T. GRCh37 (hg19) VCF-style: chr12-88502867-C-T.
Other names: short protein forms S820N.
Identifiers: ClinVar variation 1900705 (VCV001900705.2), dbSNP rs2500680211, ClinGen allele CA385972625.